The following is an entry in ClinVar:

ClinVar aggregate classification (germline): Conflicting classifications of pathogenicity. Review status: criteria provided, conflicting classifications (1 of 4 stars). 5 submissions from 5 submitters: Uncertain significance (2); Benign (1); Likely benign (1). 1 of the submissions does not count toward it. Last evaluated 2026-05-22.

Conditions:
GNAS-related disorder. Identifiers: MedGen CN380105.
McCune-Albright syndrome (MAS). Also called: Albright's disease; ALBRIGHT SYNDROME; McCune-Albright syndrome, somatic, mosaic; Albright's Syndrome; Fibrous Dysplasia / McCune-Albright Syndrome. Identifiers: Orphanet 562, MedGen C0242292, MONDO:0018919, OMIM 174800.
Pseudohypoparathyroidism type 1B (PHP1B). Also called: PHP IB; Pseudohypoparathyroidism Type IB; Pseudohypoparathyroidism Ib (PHP-Ib). Identifiers: Orphanet 94089, MedGen C1864100, MONDO:0011301, OMIM 603233.
Pseudopseudohypoparathyroidism (PPHP). Also called: Pseudopseudohypoparathyroidism (PPHP); ALBRIGHT HEREDITARY OSTEODYSTROPHY WITHOUT MULTIPLE HORMONE RESISTANCE. Identifiers: Orphanet 79445, MedGen C0033835, MONDO:0012912, OMIM 612463.
Progressive osseous heteroplasia (POH). Also called: Osseus Heteroplasia, Progressive; Osteoma cutis; Progressive Osseus Heteroplasia (POH); ECTOPIC OSSIFICATION, FAMILIAL. Identifiers: Orphanet 2762, MedGen C0334041, MONDO:0008153, OMIM 166350, HP:0025027.
ACTH-independent macronodular adrenal hyperplasia 1 (AIMAH1). Also called: ACTH-INDEPENDENT MACRONODULAR ADRENOCORTICAL HYPERPLASIA; ADRENOCORTICOTROPIC HORMONE-INDEPENDENT MACRONODULAR ADRENAL HYPERPLASIA; ACTH-independent macronodular adrenal hyperplasia, somatic; CORTICOTROPIN-INDEPENDENT MACRONODULAR ADRENAL HYPERPLASIA; CUSHING SYNDROME, ADRENAL, DUE TO AIMAH. Identifiers: MedGen C1857451, MONDO:0020735, OMIM 219080.
Pseudohypoparathyroidism type I A (PHP1A). Also called: Pseudohypoparathyroidism Type IA; PHP IA; Pseudohypoparathyroidism type 1A; ALBRIGHT HEREDITARY OSTEODYSTROPHY WITH MULTIPLE HORMONE RESISTANCE; Pseudohypoparathyroidism Ia (PHP-Ia). Identifiers: Orphanet 79443, MedGen C3494506, MONDO:0007078, OMIM 103580.
Pseudohypoparathyroidism type 1C (PHP1C). Also called: PHP IC; Pseudohypoparathyroidism Ic (PHP-Ic); PSEUDOHYPOPARATHYROIDISM, TYPE IC. Identifiers: Orphanet 79444, MedGen C2932716, MONDO:0012911, OMIM 612462.
Pituitary adenoma 3, multiple types. Also called: PITUITARY ADENOMA 3, ACTH-SECRETING, SOMATIC; PITUITARY ADENOMA 3, GROWTH HORMONE-SECRETING, SOMATIC. Identifiers: MedGen C4540135, MONDO:0054665, OMIM 617686.

Allele frequency attached by ClinVar (database versions not stated): gnomAD 0.00004 and 0.00002; gnomAD exomes 0.00008; TOPMed 0.00006; ExAC 0.00007; 1000 Genomes Project 0.00040.
gnomAD v4.1: 58 of 1,613,192 alleles (0.0036%); highest among the groups gnomAD compares: South Asian, 0.031%; no homozygotes.

Submissions (5):

PreventionGenetics, part of Exact Sciences
Classification: Uncertain significance for GNAS-related condition. Last evaluated: 2026-05-22. Review status: criteria provided, single submitter. Criteria: ACMG Guidelines, 2015. Collection method: clinical testing. Allele origin: germline.
Comment: The GNAS c.988A>G variant is predicted to result in the amino acid substitution p.Ile330Val. Of note, in the more commonly reported transcript (NM_000516.5) this variant is pre-coding (c.-37474A>G). To our knowledge, this variant has not been reported in the literature. This variant is reported in 0.033% of alleles in individuals of East Asian descent in gnomAD. Although we suspect that this variant may be benign, at this time, the clinical significance of this variant is uncertain due to the absence of conclusive functional and genetic evidence.

CeGaT Center for Human Genetics Tuebingen
Classification: Likely benign. Last evaluated: 2026-03-01. Review status: criteria provided, single submitter. Criteria: CeGaT Center For Human Genetics Tuebingen Variant Classification Criteria Version 2. Collection method: clinical testing. Allele origin: germline. Affected: yes. Observed: 1 variant allele.
Comment: GNAS: BP4

New York Genome Center
Classification: Uncertain significance. Last evaluated: 2021-07-30. Review status: criteria provided, single submitter. Criteria: NYGC Assertion Criteria 2020. Collection method: clinical testing. Allele origin: germline. Observed: 1 heterozygote.

Department of Pathology and Laboratory Medicine, Sinai Health System
Classification: Benign for Pseudohypoparathyroidism type I A; Progressive osseous heteroplasia; McCune-Albright syndrome; ACTH-independent macronodular adrenal hyperplasia 1; Pseudohypoparathyroidism type 1B; Pseudohypoparathyroidism type 1C; Pseudopseudohypoparathyroidism; Pituitary adenoma 3, multiple types. Last evaluated: 2020-05-09. Review status: criteria provided, single submitter. Criteria: ACMG Guidelines, 2015. Collection method: research. Allele origin: germline.

ITMI
No classification provided. Condition: AllHighlyPenetrant. Last evaluated: 2013-09-19. Review status: no classification provided. Collection method: reference population. Allele origin: germline. Not counted in ClinVar's aggregate classification.
Comment: Please see associated publication for description of ethnicities

Literature cited by the submitters: PubMed 24728327 (cited by ITMI).

NM_080425.4(GNAS):c.988A>G (p.Ile330Val)

Gene: GNAS (GNAS complex locus; plus strand). Cytogenetic location: 20q13.32.
Variant type: single nucleotide variant.
Coding change: c.988A>G on transcript NM_080425.4 (MANE Plus Clinical); coding-DNA position 988, A replaced by G.
Protein change: p.Ile330Val; replaces isoleucine 330 with valine.
Molecular consequence: missense variant. On other transcripts: synonymous variant (2), intron variant (3).
Genome position (GRCh38, 1-based): chr20:58,854,253, A>G. VCF-style: chr20-58854253-A-G. GRCh37 (hg19) VCF-style: chr20-57429308-A-G.
Other names: c.801A>G, p.Gln267= (NM_001309883.1, NM_001077490.3); c.988A>G, p.Ile330Val (NM_001410913.1); c.*42+13367A>G (NM_016592.5); c.43+13367A>G (NM_001410912.1); c.-39+12378A>G (NM_001309861.2); short protein forms I330V.
Identifiers: ClinVar variation 134492 (VCV000134492.12), dbSNP rs201597085, ClinGen allele CA159961.
Genomic context (GRCh38, chr20:58,854,253, plus strand): 5'-GAGATTGGCAGCGCCCCCGCTGGGGTCGACGACACTCCCGTCAACATGGACAGCCCCCCA[A>G]TCGCGCTTGACGGCCCGCCCATCAAGGTCTCCGGAGCCCCAGATAAGAGAGAGCGAGCAG-3'
Protein context (NP_536350.2, residues 320-340): DTPVNMDSPP[Ile330Val]ALDGPPIKVS